The following is an entry in ClinVar:

ClinVar aggregate classification (germline): Conflicting classifications of pathogenicity. Review status: criteria provided, conflicting classifications (1 of 4 stars). 11 submissions from 11 submitters: Uncertain significance (9); Likely benign (2). Last evaluated 2025-11-01.

Conditions:
Lynch syndrome. Identifiers: Orphanet 144, MedGen C4552100, MONDO:0005835. Disease mechanism: loss of function.
Lynch syndrome 5 (LYNCH5). Also called: Hereditary non-polyposis colorectal cancer, type 5; Colorectal cancer, hereditary nonpolyposis, type 5. Identifiers: Orphanet 144, MedGen C1833477, MONDO:0013710, OMIM 614350. Disease mechanism: loss of function.
Mismatch repair cancer syndrome 3. Identifiers: MedGen C5436807, MONDO:0030841, OMIM 619097.
Endometrial carcinoma. Also called: Endometrial carcinoma, somatic. Identifiers: MedGen C0476089, MONDO:0002447, OMIM 608089, HP:0012114.
Hereditary cancer-predisposing syndrome. Also called: Tumor predisposition; Hereditary Cancer Syndrome; Hereditary neoplastic syndrome; Neoplastic Syndromes, Hereditary. Identifiers: Orphanet 140162, MedGen C0027672, MeSH D009386, MONDO:0015356.
Hereditary nonpolyposis colorectal neoplasms. Identifiers: MedGen C0009405, MeSH D003123.

Allele frequency attached by ClinVar (database versions not stated): gnomAD exomes below 0.00001; gnomAD 0.00001; TOPMed 0.00001.
gnomAD v4.1: 21 of 1,613,212 alleles (0.0013%); highest among the groups gnomAD compares: Non-Finnish European, 0.0017%; no homozygotes.

Submissions (11):

Labcorp Genetics (formerly Invitae), Labcorp
Classification: Likely benign for Hereditary nonpolyposis colorectal neoplasms. Last evaluated: 2025-11-01. Review status: criteria provided, single submitter. Criteria: Invitae Variant Classification Sherloc (09022015). Collection method: clinical testing. Allele origin: germline.

Quest Diagnostics Nichols Institute San Juan Capistrano
Classification: Uncertain significance. Last evaluated: 2025-07-14. Review status: criteria provided, single submitter. Criteria: Quest Diagnostics criteria. Collection method: clinical testing. Allele origin: unknown.
Comment: The MSH6 c.3607C>A (p.His1203Asn) variant has been reported in the published literature in individuals with breast cancer (PMID: 25186627 (2015)) and colorectal cancer (PMID: 30877237 (2019)). The frequency of this variant in the general population (Genome Aggregation Database) is uninformative in the assessment of its pathogenicity. Analysis of this variant using bioinformatics tools for the prediction of the effect of amino acid changes on protein structure and function yielded conflicting predictions that this variant is benign or damaging. Based on the available information, we are unable to determine the clinical significance of this variant.

Myriad Genetics, Inc.
Classification: Likely benign for Lynch syndrome 5. Last evaluated: 2025-01-07. Review status: criteria provided, single submitter. Criteria: Myriad Autosomal Dominant, Autosomal Recessive and X-Linked Classification Criteria (2023). Collection method: clinical testing. Allele origin: unknown.
Comment: This variant is considered likely benign. This variant is strongly associated with less severe personal and family histories of cancer, typical for individuals without pathogenic variants in this gene [PMID: 27363726].

All of Us Research Program, National Institutes of Health
Classification: Uncertain significance for Lynch syndrome. Last evaluated: 2024-07-15. Review status: criteria provided, single submitter. Criteria: ACMG Guidelines, 2015. Collection method: clinical testing. Allele origin: germline. Inheritance: Autosomal dominant inheritance. Observed: 4 variant alleles, 4 heterozygotes.
Comment: This missense variant replaces histidine with asparagine at codon 1203 of the MSH6 protein. Computational prediction is inconclusive regarding the impact of this variant on protein structure and function (internally defined REVEL score threshold 0.5 < inconclusive < 0.7, PMID: 27666373). To our knowledge, functional studies have not been reported for this variant. This variant has not been reported in individuals affected with hereditary cancer in the literature. This variant has been identified in 2/282784 chromosomes in the general population by the Genome Aggregation Database (gnomAD). The available evidence is insufficient to determine the role of this variant in disease conclusively. Therefore, this variant is classified as a Variant of Uncertain Significance.

This study involves interpretation of variants in research participants for the purpose of population health screening. Participant phenotype was not available at the time of variant classification. Additional details can be found in publication PMID: 35346344, PMCID: PMC8962531

Fulgent Genetics
Classification: Uncertain significance for Endometrial carcinoma; Lynch syndrome 5; Mismatch repair cancer syndrome 3. Last evaluated: 2024-05-17. Review status: criteria provided, single submitter. Criteria: ACMG Guidelines, 2015. Collection method: clinical testing. Allele origin: germline.

Ambry Genetics
Classification: Uncertain significance for Hereditary cancer-predisposing syndrome. Last evaluated: 2023-12-08. Review status: criteria provided, single submitter. Criteria: Ambry Variant Classification Scheme 2023. Collection method: clinical testing. Allele origin: germline.
Comment: The p.H1203N variant (also known as c.3607C>A), located in coding exon 7 of the MSH6 gene, results from a C to A substitution at nucleotide position 3607. The histidine at codon 1203 is replaced by asparagine, an amino acid with similar properties. This amino acid position is highly conserved in available vertebrate species. In addition, the in silico prediction for this alteration is inconclusive. Since supporting evidence is limited at this time, the clinical significance of this alteration remains unclear.

Baylor Genetics
Classification: Uncertain significance for Endometrial carcinoma. Last evaluated: 2023-09-21. Review status: criteria provided, single submitter. Criteria: ACMG Guidelines, 2015. Collection method: clinical testing. Allele origin: unknown.

Color Diagnostics, LLC DBA Color Health
Classification: Uncertain significance for Hereditary cancer-predisposing syndrome. Last evaluated: 2023-07-21. Review status: criteria provided, single submitter. Criteria: ACMG Guidelines, 2015. Collection method: clinical testing. Allele origin: germline.
Comment: This missense variant replaces histidine with asparagine at codon 1203 of the MSH6 protein. Computational prediction is inconclusive regarding the impact of this variant on protein structure and function (internally defined REVEL score threshold 0.5 < inconclusive < 0.7, PMID: 27666373). To our knowledge, functional studies have not been reported for this variant. This variant has been reported in an individual affected with breast cancer (PMID: 25186627). This variant has been identified in 2/282784 chromosomes in the general population by the Genome Aggregation Database (gnomAD). The available evidence is insufficient to determine the role of this variant in disease conclusively. Therefore, this variant is classified as a Variant of Uncertain Significance.

GeneDx
Classification: Uncertain significance. Last evaluated: 2023-03-02. Review status: criteria provided, single submitter. Criteria: GeneDx Variant Classification Process June 2021. Collection method: clinical testing. Allele origin: germline. Affected: yes.
Comment: Not observed at significant frequency in large population cohorts (gnomAD); In silico analysis supports that this missense variant has a deleterious effect on protein structure/function; Has not been previously published as pathogenic or benign to our knowledge; This variant is associated with the following publications: (PMID: 17531815, 21120944)

Sema4
Classification: Uncertain significance for Hereditary cancer-predisposing syndrome. Last evaluated: 2021-07-15. Review status: criteria provided, single submitter. Criteria: Sema4 Curation Guidelines. Collection method: curation. Allele origin: germline.
Comment: The MSH6 c.3607C>A (p.H1203N) variant has not been reported in the literature to our knowledge. It was observed in 2/129148 chromosomes of the Non-Finnish European subpopulation in the large and broad cohorts of the Genome Aggregation Database (PMID: 32461654). The variant has been reported in ClinVar (Variation ID 410535). Functional studies have not been performed, and in silico predictions of the variant's effect on protein function are inconclusive. The evidence is insufficient to meet ACMG/AMP criteria for classifying the variant as benign or pathogenic. Thus, the clinical significance of this variant is currently uncertain.

Department of Pathology and Laboratory Medicine, Sinai Health System
Classification: Uncertain significance for Endometrial carcinoma; Lynch syndrome 5; Mismatch repair cancer syndrome 3. Last evaluated: 2020-02-19. Review status: criteria provided, single submitter. Criteria: ACMG Guidelines, 2015. Collection method: clinical testing. Allele origin: germline. Affected: no.

Literature cited by the submitters: PubMed 25186627 (cited by 3 submitters); PubMed 30877237 (cited by Quest Diagnostics Nichols Institute San Juan Capistrano and Ambry Genetics); PubMed 27363726 (cited by Myriad Genetics, Inc.).

NM_000179.3(MSH6):c.3607C>A (p.His1203Asn)

Gene: MSH6 (mutS homolog 6; plus strand). Cytogenetic location: 2p16.3.
Variant type: single nucleotide variant.
Coding change: c.3607C>A on transcript NM_000179.3 (MANE Select); coding-DNA position 3607, C replaced by A.
Protein change: p.His1203Asn; replaces histidine 1203 with asparagine.
Molecular consequence: missense variant.
Genome position (GRCh38, 1-based): chr2:47,805,668, C>A. VCF-style: chr2-47805668-C-A. GRCh37 (hg19) VCF-style: chr2-48032807-C-A.
Other names: c.3217C>A, p.His1073Asn (NM_001281492.2); c.2701C>A, p.His901Asn (NM_001281493.2, NM_001281494.2); short protein forms H1203N, H1073N, H901N.
Identifiers: ClinVar variation 410535 (VCV000410535.30), dbSNP rs876660882, ClinGen allele CA16610976.
Genomic context (GRCh38, chr2:47,805,668, plus strand): 5'-TTTTTTTAAGGTGAAAGTACATTTTTTGTTGAATTAAGTGAAACTGCCAGCATACTCATG[C>A]ATGCAACAGCACATTCTCTGGTGCTTGTGGATGAATTAGGTAAGACATTAAACTTCTCAT-3'
Protein context (NP_000170.1, residues 1193-1213): ELSETASILM[His1203Asn]ATAHSLVLVD